The following is an entry in ClinVar:

NM_144997.7(FLCN):c.403C>G (p.Pro135Ala)

Gene: FLCN (folliculin; minus strand). Cytogenetic location: 17p11.2.
Variant type: single nucleotide variant.
Coding change: c.403C>G on transcript NM_144997.7 (MANE Select); coding-DNA position 403, C replaced by G.
Protein change: p.Pro135Ala; replaces proline 135 with alanine.
Molecular consequence: missense variant.
Genome position (GRCh38, 1-based): chr17:17,224,137, G>C on the plus strand (C>G on the coding strand, the complement: FLCN is on the minus strand). VCF-style: chr17-17224137-G-C. GRCh37 (hg19) VCF-style: chr17-17127451-G-C.
Other names: c.457C>G, p.Pro153Ala (NM_001353229.2); c.403C>G, p.Pro135Ala (NM_001353230.2, NM_001353231.2, NM_144606.7); c.403C>G (NM_144997.5); short protein forms P135A, P153A.
Identifiers: ClinVar variation 1059483 (VCV001059483.8), dbSNP rs1483740746, ClinGen allele CA398534642.

ClinVar aggregate classification (germline): Uncertain significance. Review status: criteria provided, multiple submitters, no conflicts (2 of 4 stars). 2 submissions from 2 submitters: Uncertain significance (2). Last evaluated 2025-04-25.

Conditions:
Hereditary cancer-predisposing syndrome. Also called: Tumor predisposition; Neoplastic Syndromes, Hereditary; Hereditary Cancer Syndrome; Hereditary neoplastic syndrome. Identifiers: Orphanet 140162, MedGen C0027672, MeSH D009386, MONDO:0015356.
Birt-Hogg-Dube syndrome. Also called: Birt Hogg Dubé syndrome. Identifiers: Orphanet 122, MedGen C0346010, MONDO:0800444.

Submissions (2):

Ambry Genetics
Classification: Uncertain significance for Hereditary cancer-predisposing syndrome. Last evaluated: 2025-04-25. Review status: criteria provided, single submitter. Criteria: Ambry Variant Classification Scheme 2023. Collection method: clinical testing. Allele origin: germline.
Comment: The p.P135A variant (also known as c.403C>G), located in coding exon 3 of the FLCN gene, results from a C to G substitution at nucleotide position 403. The proline at codon 135 is replaced by alanine, an amino acid with highly similar properties. This amino acid position is conserved. In addition, the in silico prediction for this alteration is inconclusive. Since supporting evidence is limited at this time, the clinical significance of this alteration remains unclear.

Labcorp Genetics (formerly Invitae), Labcorp
Classification: Uncertain significance for Birt-Hogg-Dube syndrome. Last evaluated: 2025-03-26. Review status: criteria provided, single submitter. Criteria: Invitae Variant Classification Sherloc (09022015). Collection method: clinical testing. Allele origin: germline.
Comment: This sequence change replaces proline, which is neutral and non-polar, with alanine, which is neutral and non-polar, at codon 135 of the FLCN protein (p.Pro135Ala). This variant is not present in population databases (gnomAD no frequency). This variant has not been reported in the literature in individuals affected with FLCN-related conditions. ClinVar contains an entry for this variant (Variation ID: 1059483). Invitae Evidence Modeling of protein sequence and biophysical properties (such as structural, functional, and spatial information, amino acid conservation, physicochemical variation, residue mobility, and thermodynamic stability) has been performed for this missense variant. However, the output from this modeling did not meet the statistical confidence thresholds required to predict the impact of this variant on FLCN protein function. In summary, the available evidence is currently insufficient to determine the role of this variant in disease. Therefore, it has been classified as a Variant of Uncertain Significance.